The following is an entry in ClinVar:

ClinVar aggregate classification (germline): Uncertain significance (1 of 4 stars; one submission).

Submission:

GeneDx
Classification: Uncertain significance. Last evaluated: 2025-04-23. Review status: criteria provided, single submitter. Criteria: GeneDx Variant Classification Process June 2021. Collection method: clinical testing. Allele origin: germline. Affected: yes.
Comment: Not observed at significant frequency in large population cohorts (gnomAD); In-frame deletion of 7 amino acids in a non-repeat region; In silico analysis indicates that this variant does not alter protein structure/function; Has not been previously published as pathogenic or benign to our knowledge

NM_003107.3(SOX4):c.718_738del (p.Glu240_Ala246del)

Gene: SOX4 (SRY-box transcription factor 4; plus strand). Cytogenetic location: 6p22.3.
Variant type: Deletion.
Coding change: c.718_738del on transcript NM_003107.3 (MANE Select); coding-DNA positions 718 to 738, 21 bases deleted (GAACAGGCGGGGGCCGCCGCC).
Protein change: p.Glu240_Ala246del.
Genome position (GRCh38, 1-based): chr6:21,595,252-21,595,272, GAACAGGCGGGGGCCGCCGCC deleted; deleting any 21 consecutive bases within chr6:21,595,245-21,595,272 gives the same sequence; the c. name uses the placement nearest the transcript's 3' end. VCF-style (leftmost placement, unchanged base first): chr6-21595244-TCGCCGCCGAACAGGCGGGGGC-T. GRCh37 (hg19) VCF-style: chr6-21595475-TCGCCGCCGAACAGGCGGGGGC-T.
Identifiers: ClinVar variation 4527541 (VCV004527541.1).